The following is an entry in ClinVar:

ClinVar aggregate classification (germline): Uncertain significance (1 of 4 stars; one submission).

Allele frequency attached by ClinVar (database versions not stated): gnomAD exomes below 0.00001.
gnomAD v4.1: 1 of 1,608,012 alleles (0.000062%); highest among the groups gnomAD compares: Non-Finnish European, 0.000085%; no homozygotes.

Submission:

Labcorp Genetics (formerly Invitae), Labcorp
Classification: Uncertain significance. Last evaluated: 2022-12-02. Review status: criteria provided, single submitter. Criteria: Invitae Variant Classification Sherloc (09022015). Collection method: clinical testing. Allele origin: germline.
Comment: In summary, the available evidence is currently insufficient to determine the role of this variant in disease. Therefore, it has been classified as a Variant of Uncertain Significance. Algorithms developed to predict the effect of missense changes on protein structure and function are either unavailable or do not agree on the potential impact of this missense change (SIFT: "Tolerated"; PolyPhen-2: "Not Available"; Align-GVGD: "Class C0"). This variant has not been reported in the literature in individuals affected with CYFIP2-related conditions. This variant is not present in population databases (gnomAD no frequency). This sequence change replaces glutamic acid, which is acidic and polar, with glutamine, which is neutral and polar, at codon 314 of the CYFIP2 protein (p.Glu314Gln).

NM_001037333.3(CYFIP2):c.940G>C (p.Glu314Gln)

Gene: CYFIP2 (cytoplasmic FMR1 interacting protein 2; plus strand). Cytogenetic location: 5q33.3.
Variant type: single nucleotide variant.
Coding change: c.940G>C on transcript NM_001037333.3 (MANE Select); coding-DNA position 940, G replaced by C.
Protein change: p.Glu314Gln; replaces glutamic acid 314 with glutamine.
Molecular consequence: missense variant.
Genome position (GRCh38, 1-based): chr5:157,309,782, G>C. VCF-style: chr5-157309782-G-C. GRCh37 (hg19) VCF-style: chr5-156736790-G-C.
Other names: c.862G>C, p.Glu288Gln (NM_001291721.2); c.940G>C, p.Glu314Gln (NM_001291722.2, NM_014376.4); short protein forms E288Q, E314Q.
Identifiers: ClinVar variation 2011490 (VCV002011490.4), dbSNP rs2532345933, ClinGen allele CA361967770.
Genomic context (GRCh38, chr5:157,309,782, plus strand): 5'-CTGTGTTTGCTTCCTTTGCAGCAGCTGCAGGTGGTGCCCCTTTTCGGCGACATGCAGATA[G>C]AGCTGGCCAGATACATTAAGACCAGTGCTCACTATGAAGAGAACAAGTCCAAGTGAGTGC-3'
Protein context (NP_001032410.1, residues 304-324): VVPLFGDMQI[Glu314Gln]LARYIKTSAH